The following is an entry in ClinVar:

ClinVar aggregate classification (germline): Conflicting classifications of pathogenicity. Review status: criteria provided, conflicting classifications (1 of 4 stars). 3 submissions from 2 submitters: Uncertain significance (1); Likely benign (2). Last evaluated 2026-10-01.

Conditions:
Hypobetalipoproteinemia. Identifiers: Orphanet 31154, MedGen C0020597, MONDO:0017774.
Hypercholesterolemia, autosomal dominant, 3 (FHCL3). Also called: PCSK9-Related Familial Hypercholesterolemia, Autosomal Dominant; Familial hypercholesterolemia 3; Familial Hypercholesterolemia, Autosomal Dominant, 3. Identifiers: MedGen C1863551, MONDO:0011369, OMIM 603776.

Allele frequency attached by ClinVar (database versions not stated): 1000 Genomes Project 0.00200; 1000 Genomes Project 30x 0.00219; gnomAD 0.00459; TOPMed 0.00550; gnomAD exomes 0.00772.

Submissions (3):

CeGaT Center for Human Genetics Tuebingen
Classification: Likely benign. Last evaluated: 2026-10-01. Review status: criteria provided, single submitter. Criteria: CeGaT Center For Human Genetics Tuebingen Variant Classification Criteria Version 2. Collection method: clinical testing. Allele origin: germline. Affected: yes. Observed: 31 variant alleles.
Comment: PCSK9: BS2

Illumina Laboratory Services, Illumina
Classification: Uncertain significance for Hypercholesterolemia, autosomal dominant, 3. Last evaluated: 2018-01-13. Review status: criteria provided, single submitter. Criteria: ICSL Variant Classification Criteria 13 December 2019. Collection method: clinical testing. Allele origin: germline.

Illumina Laboratory Services, Illumina
Classification: Likely benign for Hypobetalipoproteinemia. Last evaluated: 2018-01-13. Review status: criteria provided, single submitter. Criteria: ICSL Variant Classification Criteria 13 December 2019. Collection method: clinical testing. Allele origin: germline.
Comment: This variant was observed in the ICSL laboratory as part of a predisposition screen in an ostensibly healthy population. It had not been previously curated by ICSL or reported in the Human Gene Mutation Database (HGMD: prior to June 1st, 2018), and was therefore a candidate for classification through an automated scoring system. Utilizing variant allele frequency, disease prevalence and penetrance estimates, and inheritance mode, an automated score was calculated to assess if this variant is too frequent to cause the disease. Based on the score and internal cut-off values, a variant classified as likely benign is not then subjected to further curation. The score for this variant resulted in a classification of likely benign for this disease.

NM_174936.4(PCSK9):c.*171C>T

Gene: PCSK9 (proprotein convertase subtilisin/kexin type 9; plus strand). Cytogenetic location: 1p32.3.
Variant type: single nucleotide variant.
Coding change: c.*171C>T on transcript NM_174936.4 (MANE Select); 171 bases downstream of the stop codon, C replaced by T.
Molecular consequence: 3 prime UTR variant.
Genome position (GRCh38, 1-based): chr1:55,063,755, C>T. VCF-style: chr1-55063755-C-T. GRCh37 (hg19) VCF-style: chr1-55529428-C-T.
Other names: c.*171C>T (NM_001407240.1, NM_001407241.1, NM_001407242.1 and 5 more transcripts).
Identifiers: ClinVar variation 297716 (VCV000297716.37), dbSNP rs557622245, ClinGen allele CA10611300.